The following is an entry in ClinVar:

ClinVar aggregate classification (germline): Uncertain significance (1 of 4 stars; one submission).

Conditions:
Episodic ataxia type 2 (EA2). Also called: ATAXIA, EPISODIC, WITH NYSTAGMUS; ATAXIA, FAMILIAL PAROXYSMAL; CEREBELLAR ATAXIA, PAROXYSMAL, ACETAZOLAMIDE-RESPONSIVE; CEREBELLOPATHY, HEREDITARY PAROXYSMAL; EPISODIC ATAXIA, NYSTAGMUS-ASSOCIATED; ACETAZOLAMIDE-RESPONSIVE HEREDITARY PAROXYSMAL CEREBELLAR ATAXIA. Identifiers: Orphanet 97, MedGen C1720416, MONDO:0007163, OMIM 108500.
Developmental and epileptic encephalopathy, 42 (DEE42A). Also called: Epileptic encephalopathy, early infantile, 42; DEVELOPMENTAL AND EPILEPTIC ENCEPHALOPATHY 42A; EPILEPTIC ENCEPHALOPATHY, EARLY INFANTILE, 42A. Identifiers: MedGen C4310716, MONDO:0014917, OMIM 617106.

Submission:

Labcorp Genetics (formerly Invitae), Labcorp
Classification: Uncertain significance for Developmental and epileptic encephalopathy, 42; Episodic ataxia type 2. Last evaluated: 2022-02-02. Review status: criteria provided, single submitter. Criteria: Invitae Variant Classification Sherloc (09022015). Collection method: clinical testing. Allele origin: germline.
Comment: In summary, the available evidence is currently insufficient to determine the role of this variant in disease. Therefore, it has been classified as a Variant of Uncertain Significance. Variants that disrupt the consensus splice site are a relatively common cause of aberrant splicing (PMID: 17576681, 9536098). Algorithms developed to predict the effect of sequence changes on RNA splicing suggest that this variant may disrupt the consensus splice site. This variant has not been reported in the literature in individuals affected with CACNA1A-related conditions. This variant is not present in population databases (gnomAD no frequency). This sequence change falls in intron 39 of the CACNA1A gene. It does not directly change the encoded amino acid sequence of the CACNA1A protein. It affects a nucleotide within the consensus splice site.

Literature cited by the submitters: PubMed 17576681; PubMed 9536098.

NM_001127222.2(CACNA1A):c.5840-3C>A

Gene: CACNA1A (calcium voltage-gated channel subunit alpha1 A; minus strand). Cytogenetic location: 19p13.13.
Variant type: single nucleotide variant.
Coding change: c.5840-3C>A on transcript NM_001127222.2 (MANE Select); 3 bases into the intron before coding-DNA position 5840, C replaced by A.
Molecular consequence: intron variant.
Genome position (GRCh38, 1-based): chr19:13,214,336, G>T on the plus strand (C>A on the coding strand, the complement: CACNA1A is on the minus strand). VCF-style: chr19-13214336-G-T. GRCh37 (hg19) VCF-style: chr19-13325150-G-T.
Other names: c.5843-3C>A (NM_001127221.2); c.5849-3C>A (NM_001174080.2); c.5858-3C>A (NM_000068.4, NM_023035.3).
Identifiers: ClinVar variation 2091792 (VCV002091792.4), dbSNP rs2512543876, ClinGen allele CA2580096623.